The following is an entry in ClinVar:

NM_001903.5(CTNNA1):c.1021dup (p.Arg341fs)

Gene: CTNNA1 (catenin alpha 1; plus strand). Cytogenetic location: 5q31.2.
Variant type: Duplication.
Coding change: c.1021dup on transcript NM_001903.5 (MANE Select); coding-DNA position 1021, one base duplicated (C; older notation c.1021dupC).
Protein change: p.Arg341fs; shifts the reading frame from arginine 341.
Molecular consequence: frameshift variant.
Genome position (GRCh38, 1-based): chr5:138,827,677, C duplicated; the last of 2 consecutive C bases (chr5:138,827,676-138,827,677); duplicating either gives the same sequence. VCF-style (leftmost placement, unchanged base first): chr5-138827675-T-TC. GRCh37 (hg19) VCF-style: chr5-138163364-T-TC.
Other names: c.1021dup, p.Arg341fs (NM_001290307.3, NM_001323982.2, NM_001323983.1 and 3 more transcripts); c.712dup, p.Arg238fs (NM_001290309.3); c.652dup, p.Arg218fs (NM_001290310.3); short protein forms R238fs, R218fs, R341fs.
Identifiers: ClinVar variation 2448345 (VCV002448345.3), dbSNP rs2532448044, ClinGen allele CA2580072938.

ClinVar aggregate classification (germline): Pathogenic (1 of 4 stars; one submission).

Conditions:
Hereditary cancer-predisposing syndrome. Also called: Neoplastic Syndromes, Hereditary; Hereditary Cancer Syndrome; Tumor predisposition; Hereditary neoplastic syndrome. Identifiers: Orphanet 140162, MedGen C0027672, MeSH D009386, MONDO:0015356.

Submission:

Ambry Genetics
Classification: Pathogenic for Hereditary cancer-predisposing syndrome. Last evaluated: 2025-05-30. Review status: criteria provided, single submitter. Criteria: Ambry Variant Classification Scheme 2023. Collection method: clinical testing. Allele origin: germline.
Comment: The c.1021dupC pathogenic mutation, located in coding exon 6 of the CTNNA1 gene, results from a duplication of C at nucleotide position 1021, causing a translational frameshift with a predicted alternate stop codon (p.R341Pfs*18). This alteration is expected to result in loss of function by premature protein truncation or nonsense-mediated mRNA decay. As such, this alteration is interpreted as a disease-causing mutation.